The following is an entry in ClinVar:

ClinVar aggregate classification (germline): Uncertain significance. Review status: criteria provided, multiple submitters, no conflicts (2 of 4 stars). 2 submissions from 2 submitters: Uncertain significance (2). Last evaluated 2026-07-06.

Conditions:
Rhabdoid tumor predisposition syndrome 2 (RTPS2). Identifiers: Orphanet 231108, Orphanet 69077, MedGen C2750074, MONDO:0013224, OMIM 613325.
Hereditary cancer-predisposing syndrome. Also called: Hereditary Cancer Syndrome; Hereditary neoplastic syndrome; Neoplastic Syndromes, Hereditary; Tumor predisposition. Identifiers: Orphanet 140162, MedGen C0027672, MeSH D009386, MONDO:0015356.

Allele frequency attached by ClinVar (database versions not stated): gnomAD exomes below 0.00001.
gnomAD v4.1: 1 of 1,612,592 alleles (0.000062%); highest among the groups gnomAD compares: Non-Finnish European, 0.000085%; no homozygotes.

Submissions (2):

Ambry Genetics
Classification: Uncertain significance for Hereditary cancer-predisposing syndrome. Last evaluated: 2026-07-06. Review status: criteria provided, single submitter. Criteria: Ambry Variant Classification Scheme 2023. Collection method: clinical testing. Allele origin: germline.
Comment: The p.G1476R variant (also known as c.4426G>A), located in coding exon 30 of the SMARCA4 gene, results from a G to A substitution at nucleotide position 4426. The glycine at codon 1476 is replaced by arginine, an amino acid with dissimilar properties. This amino acid position is conserved. In addition, this alteration is predicted to be tolerated by in silico analysis. Based on the available evidence, the clinical significance of this variant remains unclear.

Labcorp Genetics (formerly Invitae), Labcorp
Classification: Uncertain significance for Rhabdoid tumor predisposition syndrome 2. Last evaluated: 2023-11-21. Review status: criteria provided, single submitter. Criteria: Invitae Variant Classification Sherloc (09022015). Collection method: clinical testing. Allele origin: germline.
Comment: This sequence change replaces glycine, which is neutral and non-polar, with arginine, which is basic and polar, at codon 1476 of the SMARCA4 protein (p.Gly1476Arg). This variant is not present in population databases (gnomAD no frequency). This variant has not been reported in the literature in individuals affected with SMARCA4-related conditions. Advanced modeling of protein sequence and biophysical properties (such as structural, functional, and spatial information, amino acid conservation, physicochemical variation, residue mobility, and thermodynamic stability) has been performed at Invitae for this missense variant, however the output from this modeling did not meet the statistical confidence thresholds required to predict the impact of this variant on SMARCA4 protein function. In summary, the available evidence is currently insufficient to determine the role of this variant in disease. Therefore, it has been classified as a Variant of Uncertain Significance.

NM_003072.5(SMARCA4):c.4330G>A (p.Gly1444Arg)

Gene: SMARCA4 (SWI/SNF related BAF chromatin remodeling complex subunit ATPase 4; plus strand). Cytogenetic location: 19p13.2.
Variant type: single nucleotide variant.
Coding change: c.4330G>A on transcript NM_003072.5 (MANE Select); coding-DNA position 4330, G replaced by A.
Protein change: p.Gly1444Arg; replaces glycine 1444 with arginine.
Molecular consequence: missense variant. On other transcripts: non-coding transcript variant (1).
Genome position (GRCh38, 1-based): chr19:11,041,466, G>A. VCF-style: chr19-11041466-G-A. GRCh37 (hg19) VCF-style: chr19-11152142-G-A.
Other names: c.4330G>A, p.Gly1444Arg (NM_001128844.3); c.4240G>A, p.Gly1414Arg (NM_001128845.2, NM_001128846.2); c.4231G>A, p.Gly1411Arg (NM_001128847.4, NM_001128848.2, NM_001374457.1); c.4426G>A, p.Gly1476Arg (NM_001128849.3, NM_001387283.1); c.4327G>A, p.Gly1443Arg (NM_001411150.1); c.4426G>A (NM_001128849.1); short protein forms G1443R, G1411R, G1414R, G1444R, G1476R.
Identifiers: ClinVar variation 2993858 (VCV002993858.3), dbSNP rs2146819661, ClinGen allele CA404073876.
Genomic context (GRCh38, chr19:11,041,466, plus strand): 5'-CCGACCACCAGCACCCGCAGCCGCGACAAGGACGACGAGAGCAAGAAGCAGAAGAAGCGC[G>A]GGCGGCCGCCTGCCGAGAAACTCTCCCCTAACCCACCCAACCTCACCAAGAAGATGAAGA-3'
Protein context (NP_003063.2, residues 1434-1454): DDESKKQKKR[Gly1444Arg]RPPAEKLSPN